The following is an entry in ClinVar:

ClinVar aggregate classification (germline): Uncertain significance (1 of 4 stars; one submission).

Conditions:
Cone-rod dystrophy 2 (CORD2). Also called: CONE-ROD RETINAL DYSTROPHY; Cone-rod retinal dystrophy 2. Identifiers: Orphanet 1872, MedGen C3489532, MONDO:0007362, OMIM 120970.
Leber congenital amaurosis 7 (LCA7). Identifiers: Orphanet 65, MedGen C3151192, MONDO:0013449, OMIM 613829.

Submission:

Labcorp Genetics (formerly Invitae), Labcorp
Classification: Uncertain significance for Cone-rod dystrophy 2; Leber congenital amaurosis 7. Last evaluated: 2025-08-10. Review status: criteria provided, single submitter. Criteria: Invitae Variant Classification Sherloc (09022015). Collection method: clinical testing. Allele origin: germline.
Comment: This sequence change replaces serine, which is neutral and polar, with proline, which is neutral and non-polar, at codon 213 of the CRX protein (p.Ser213Pro). This variant is not present in population databases (gnomAD no frequency). This missense change has been observed in individual(s) with cone-rod dystrophy (PMID: 25082885). Invitae Evidence Modeling of protein sequence and biophysical properties (such as structural, functional, and spatial information, amino acid conservation, physicochemical variation, residue mobility, and thermodynamic stability) indicates that this missense variant is not expected to disrupt CRX protein function with a negative predictive value of 95%. In summary, the available evidence is currently insufficient to determine the role of this variant in disease. Therefore, it has been classified as a Variant of Uncertain Significance.

Literature cited by the submitters: PubMed 25082885.

NM_000554.6(CRX):c.637T>C (p.Ser213Pro)

Gene: CRX (cone-rod homeobox; plus strand). Cytogenetic location: 19q13.33.
Variant type: single nucleotide variant.
Coding change: c.637T>C on transcript NM_000554.6 (MANE Select); coding-DNA position 637, T replaced by C.
Protein change: p.Ser213Pro; replaces serine 213 with proline.
Molecular consequence: missense variant.
Genome position (GRCh38, 1-based): chr19:47,839,704, T>C. VCF-style: chr19-47839704-T-C. GRCh37 (hg19) VCF-style: chr19-48342961-T-C.
Other names: short protein forms S213P.
Identifiers: ClinVar variation 4783849 (VCV004783849.1).